The following is an entry in ClinVar:

ClinVar aggregate classification (germline): Uncertain significance. Review status: criteria provided, multiple submitters, no conflicts (2 of 4 stars). 2 submissions from 2 submitters: Uncertain significance (2). Last evaluated 2026-01-19.

Conditions:
Hereditary cancer-predisposing syndrome. Also called: Neoplastic Syndromes, Hereditary; Hereditary Cancer Syndrome; Hereditary neoplastic syndrome; Tumor predisposition. Identifiers: Orphanet 140162, MedGen C0027672, MeSH D009386, MONDO:0015356.

Allele frequency attached by ClinVar (database versions not stated): gnomAD exomes below 0.00001.
gnomAD v4.1: 2 of 1,614,104 alleles (0.00012%); highest among the groups gnomAD compares: Non-Finnish European, 0.00017%; no homozygotes.

Submissions (2):

Labcorp Genetics (formerly Invitae), Labcorp
Classification: Uncertain significance. Last evaluated: 2026-01-19. Review status: criteria provided, single submitter. Criteria: Invitae Variant Classification Sherloc (09022015). Collection method: clinical testing. Allele origin: germline.
Comment: This sequence change replaces phenylalanine, which is neutral and non-polar, with cysteine, which is neutral and slightly polar, at codon 2063 of the POLE protein (p.Phe2063Cys). This variant is present in population databases (no rsID available, gnomAD 0.0009%). This variant has not been reported in the literature in individuals affected with POLE-related conditions. ClinVar contains an entry for this variant (Variation ID: 540756). Invitae Evidence Modeling of protein sequence and biophysical properties (such as structural, functional, and spatial information, amino acid conservation, physicochemical variation, residue mobility, and thermodynamic stability) indicates that this missense variant is not expected to disrupt POLE protein function with a negative predictive value of 80%. In summary, the available evidence is currently insufficient to determine the role of this variant in disease. Therefore, it has been classified as a Variant of Uncertain Significance.

Ambry Genetics
Classification: Uncertain significance for Hereditary cancer-predisposing syndrome. Last evaluated: 2025-04-10. Review status: criteria provided, single submitter. Criteria: Ambry Variant Classification Scheme 2023. Collection method: clinical testing. Allele origin: germline.

NM_006231.4(POLE):c.6188T>G (p.Phe2063Cys)

Gene: POLE (DNA polymerase epsilon, catalytic subunit; minus strand). Cytogenetic location: 12q24.33.
Variant type: single nucleotide variant.
Coding change: c.6188T>G on transcript NM_006231.4 (MANE Select); coding-DNA position 6188, T replaced by G.
Protein change: p.Phe2063Cys; replaces phenylalanine 2063 with cysteine.
Molecular consequence: missense variant.
Genome position (GRCh38, 1-based): chr12:132,632,457, A>C on the plus strand (T>G on the coding strand, the complement: POLE is on the minus strand). VCF-style: chr12-132632457-A-C. GRCh37 (hg19) VCF-style: chr12-133209043-A-C.
Other names: short protein forms F2063C.
Identifiers: ClinVar variation 540756 (VCV000540756.11), dbSNP rs1410600023, ClinGen allele CA387369821.